The following is an entry in ClinVar:

NM_003982.4(SLC7A7):c.444_446delinsACT (p.Phe148_Pro149delinsLeuLeu)

Gene: SLC7A7 (solute carrier family 7 member 7; minus strand). Cytogenetic location: 14q11.2.
Variant type: Indel.
Coding change: c.444_446delinsACT on transcript NM_003982.4 (MANE Select); coding-DNA positions 444 to 446, CCC replaced by ACT.
Protein change: p.Phe148_Pro149delinsLeuLeu.
Molecular consequence: missense variant.
Genome position (GRCh38, 1-based): chr14:22,812,953-22,812,955, GGG replaced by AGT on the plus strand (CCC replaced by ACT on the coding strand, the reverse complement: SLC7A7 is on the minus strand). VCF-style: chr14-22812953-GGG-AGT. GRCh37 (hg19) VCF-style: chr14-23282162-GGG-AGT.
Other names: c.444_446delinsACT, p.Phe148_Pro149delinsLeuLeu (NM_001126105.3, NM_001126106.4).
Identifiers: ClinVar variation 1313500 (VCV001313500.2), dbSNP rs2138661858, ClinGen allele CA2573053867.

ClinVar aggregate classification (germline): Uncertain significance (1 of 4 stars; one submission).

Submission:

GeneDx
Classification: Uncertain significance. Last evaluated: 2020-10-16. Review status: criteria provided, single submitter. Criteria: GeneDx Variant Classification Process June 2021. Collection method: clinical testing. Allele origin: germline. Affected: yes.
Comment: Not observed in large population cohorts (Lek et al., 2016); In silico analysis supports a deleterious effect on protein structure/function; Has not been previously published as pathogenic or benign to our knowledge